The following is an entry in ClinVar:

NM_001987.5(ETV6):c.1115A>T (p.Asp372Val)

Genes: ETV6 (ETS variant transcription factor 6; plus strand), LOC126861452 (CDK7 strongly-dependent group 2 enhancer GRCh37_chr12:12037195-12038394; plus strand). Cytogenetic location: 12p13.2.
Variant type: single nucleotide variant.
Coding change: c.1115A>T on transcript NM_001987.5 (MANE Select); coding-DNA position 1115, A replaced by T.
Protein change: p.Asp372Val; replaces aspartic acid 372 with valine.
Molecular consequence: missense variant. On other transcripts: intron variant (1).
Genome position (GRCh38, 1-based): chr12:11,884,550, A>T. VCF-style: chr12-11884550-A-T. GRCh37 (hg19) VCF-style: chr12-12037484-A-T.
Other names: c.1112A>T, p.Asp371Val (NM_001413913.1); c.1088A>T, p.Asp363Val (NM_001413914.1); c.851A>T, p.Asp284Val (NM_001413915.1); c.1010-6391A>T (NM_001413917.1); short protein forms D284V, D363V, D371V, D372V.
Identifiers: ClinVar variation 4870648 (VCV004870648.1).

ClinVar aggregate classification (germline): Uncertain significance (1 of 4 stars; one submission).

Conditions:
Inborn genetic diseases. Identifiers: MedGen C0950123, MeSH D030342.

Submission:

Ambry Genetics
Classification: Uncertain significance for Inborn genetic diseases. Last evaluated: 2026-03-17. Review status: criteria provided, single submitter. Criteria: Ambry Variant Classification Scheme 2023. Collection method: clinical testing. Allele origin: germline.
Comment: The p.D372V variant (also known as c.1115A>T), located in coding exon 6 of the ETV6 gene, results from an A to T substitution at nucleotide position 1115. The aspartic acid at codon 372 is replaced by valine, an amino acid with highly dissimilar properties. This amino acid position is conserved. In addition, this alteration is predicted to be deleterious by in silico analysis. Based on the available evidence, the clinical significance of this variant remains unclear.